The following is an entry in ClinVar:

NM_001903.5(CTNNA1):c.1292_1295del (p.Ile431fs)

Gene: CTNNA1 (catenin alpha 1; plus strand). Cytogenetic location: 5q31.2.
Variant type: Microsatellite.
Coding change: c.1292_1295del on transcript NM_001903.5 (MANE Select); coding-DNA positions 1292 to 1295, 4 bases deleted (TTGA; older notation c.1292_1295delTTGA).
Protein change: p.Ile431fs; shifts the reading frame from isoleucine 431.
Molecular consequence: frameshift variant. On other transcripts: 5 prime UTR variant (5), intron variant (2).
Genome position (GRCh38, 1-based): chr5:138,887,638-138,887,641, TTGA deleted; deleting any 4 consecutive bases within chr5:138,887,633-138,887,641 gives the same sequence; the c. name uses the placement nearest the transcript's 3' end. VCF-style (leftmost placement, unchanged base first): chr5-138887632-AATTG-A. GRCh37 (hg19) VCF-style: chr5-138223321-AATTG-A.
Other names: c.1292_1295del, p.Ile431fs (NM_001290307.3, NM_001323982.2, NM_001323983.1 and 3 more transcripts); c.983_986del, p.Ile328fs (NM_001290309.3); c.923_926del, p.Ile308fs (NM_001290310.3); c.182_185del, p.Ile61fs (NM_001290312.1, NM_001323991.1, NM_001323992.1 and 18 more transcripts); c.-220TTGA[1] (NM_001324006.1, NM_001324007.1, NM_001324008.1 and 1 more transcripts); c.-95TTGA[1] (NM_001324013.1); c.-58+12041_-58+12044del (NM_001324012.1); c.-61+12041_-61+12044del (NM_001324010.1); short protein forms I61fs, I328fs, I308fs, I431fs.
Identifiers: ClinVar variation 944033 (VCV000944033.12), dbSNP rs1754363697, ClinGen allele CA446590459.

ClinVar aggregate classification (germline): Pathogenic. Review status: criteria provided, multiple submitters, no conflicts (2 of 4 stars). 3 submissions from 3 submitters: Pathogenic (3). Last evaluated 2025-07-08.

Conditions:
Hereditary diffuse gastric adenocarcinoma (HDGC). Also called: DIFFUSE GASTRIC AND LOBULAR BREAST CANCER SYNDROME. Identifiers: Orphanet 26106, MedGen C1708349, MONDO:0007648, OMIM 137215.
Hereditary cancer-predisposing syndrome. Also called: Neoplastic Syndromes, Hereditary; Hereditary neoplastic syndrome; Hereditary Cancer Syndrome; Tumor predisposition. Identifiers: Orphanet 140162, MedGen C0027672, MeSH D009386, MONDO:0015356.

Submissions (3):

Ambry Genetics
Classification: Pathogenic for Hereditary cancer-predisposing syndrome. Last evaluated: 2025-07-08. Review status: criteria provided, single submitter. Criteria: Ambry Variant Classification Scheme 2023. Collection method: clinical testing. Allele origin: germline.
Comment: The c.1292_1295delTTGA pathogenic mutation, located in coding exon 8 of the CTNNA1 gene, results from a deletion of 4 nucleotides at nucleotide positions 1292 to 1295, causing a translational frameshift with a predicted alternate stop codon (p.I431Rfs*16). This variant is considered to be rare based on population cohorts in the Genome Aggregation Database (gnomAD). This alteration is expected to result in loss of function by premature protein truncation or nonsense-mediated mRNA decay. As such, this alteration is interpreted as a disease-causing mutation.

Labcorp Genetics (formerly Invitae), Labcorp
Classification: Pathogenic. Last evaluated: 2023-12-18. Review status: criteria provided, single submitter. Criteria: Invitae Variant Classification Sherloc (09022015). Collection method: clinical testing. Allele origin: germline.
Comment: This sequence change creates a premature translational stop signal (p.Ile431Argfs*16) in the CTNNA1 gene. It is expected to result in an absent or disrupted protein product. Loss-of-function variants in CTNNA1 are known to be pathogenic (PMID: 32051609, 34425242). This variant is not present in population databases (gnomAD no frequency). This variant has not been reported in the literature in individuals affected with CTNNA1-related conditions. ClinVar contains an entry for this variant (Variation ID: 944033). For these reasons, this variant has been classified as Pathogenic.

Myriad Genetics, Inc.
Classification: Pathogenic for Hereditary diffuse gastric adenocarcinoma. Last evaluated: 2023-07-05. Review status: criteria provided, single submitter. Criteria: Myriad Autosomal Dominant, Autosomal Recessive and X-Linked Classification Criteria (2023). Collection method: clinical testing. Allele origin: unknown.
Comment: This variant is considered pathogenic. This variant creates a frameshift predicted to result in premature protein truncation.

Literature cited by the submitters: PubMed 32051609 (cited by Labcorp Genetics (formerly Invitae), Labcorp); PubMed 34425242 (cited by Labcorp Genetics (formerly Invitae), Labcorp).